The following is an entry in ClinVar:

NM_201384.3(PLEC):c.6064C>T (p.Arg2022Trp)

Gene: PLEC (plectin; minus strand). Cytogenetic location: 8q24.3.
Variant type: single nucleotide variant.
Coding change: c.6064C>T on transcript NM_201384.3 (MANE Select); coding-DNA position 6064, C replaced by T.
Protein change: p.Arg2022Trp; replaces arginine 2022 with tryptophan.
Molecular consequence: missense variant.
Genome position (GRCh38, 1-based): chr8:143,923,865, G>A on the plus strand (C>T on the coding strand, the complement: PLEC is on the minus strand). VCF-style: chr8-143923865-G-A. GRCh37 (hg19) VCF-style: chr8-144998033-G-A.
Other names: c.6145C>T, p.Arg2049Trp (NM_000445.5); c.6022C>T, p.Arg2008Trp (NM_201378.4); c.5998C>T, p.Arg2000Trp (NM_201379.3); c.6475C>T, p.Arg2159Trp (NM_201380.4); c.5968C>T, p.Arg1990Trp (NM_201381.3); c.6064C>T, p.Arg2022Trp (NM_201382.4); c.6076C>T, p.Arg2026Trp (NM_201383.3); short protein forms R2026W, R1990W, R2000W, R2008W, R2022W, R2049W, R2159W.
Identifiers: ClinVar variation 538982 (VCV000538982.10), dbSNP rs781936068, ClinGen allele CA4926122.

ClinVar aggregate classification (germline): Uncertain significance. Review status: criteria provided, multiple submitters, no conflicts (2 of 4 stars). 2 submissions from 2 submitters: Uncertain significance (2). Last evaluated 2024-12-10.

Conditions:
Epidermolysis bullosa simplex with nail dystrophy (EBS5D). Identifiers: MedGen C4225309, MONDO:0014661, OMIM 616487.
Epidermolysis bullosa simplex 5B, with muscular dystrophy (EBS5B). Also called: EPIDERMOLYSIS BULLOSA SIMPLEX AND LIMB-GIRDLE MUSCULAR DYSTROPHY; Epidermolysis bullosa simplex with muscular dystrophy. Identifiers: Orphanet 257, MedGen C2931072, MONDO:0009181, OMIM 226670.
Epidermolysis bullosa simplex, Ogna type (EBS5A). Also called: Pidermolysis bullosa simplex 5A, Ogna type; EPIDERMOLYSIS BULLOSA SIMPLEX 5A, OGNA TYPE. Identifiers: Orphanet 79401, MedGen C0432317, MONDO:0007555, OMIM 131950.
Junctional epidermolysis bullosa with pyloric atresia. Also called: APLASIA CUTIS CONGENITA WITH GASTROINTESTINAL ATRESIA; CARMI SYNDROME; EB-PA-ACC; ITGB4-Related Epidermolysis Bullosa with Pyloric Atresia; ITGA6-Related Epidermolysis Bullosa with Pyloric Atresia; Epidermolysis bullosa, junctional, with pyloric atresia and aplasia cutis congenita. Identifiers: Orphanet 79403, MedGen C5676875, MONDO:0009183, OMIM 226730.
Autosomal recessive limb-girdle muscular dystrophy type 2Q (LGMDR17). Also called: MUSCULAR DYSTROPHY, LIMB-GIRDLE, AUTOSOMAL RECESSIVE 17. Identifiers: Orphanet 254361, MedGen C3150989, MONDO:0013390, OMIM 613723.
Epidermolysis bullosa simplex 5C, with pyloric atresia (EBS5C). Also called: PLEC-Related Epidermolysis Bullosa with Pyloric Atresia; Epidermolysis bullosa simplex with pyloric atresia; PLEC1-Related Epidermolysis Bullosa with Pyloric Atresia. Identifiers: Orphanet 158684, MedGen C2677349, MONDO:0012807, OMIM 612138.

Allele frequency attached by ClinVar (database versions not stated): ExAC below 0.00001; 1000 Genomes Project 30x 0.00016; gnomAD 0.00001 and 0.00002; gnomAD exomes 0.00002 and 0.00004; TOPMed 0.00004.
gnomAD v4.1: 56 of 1,592,552 alleles (0.0035%); highest among the groups gnomAD compares: East Asian, 0.0067%; no homozygotes.

Submissions (2):

Labcorp Genetics (formerly Invitae), Labcorp
Classification: Uncertain significance for Autosomal recessive limb-girdle muscular dystrophy type 2Q; Epidermolysis bullosa simplex, Ogna type; Epidermolysis bullosa simplex with nail dystrophy; Epidermolysis bullosa simplex 5C, with pyloric atresia; Epidermolysis bullosa simplex 5B, with muscular dystrophy. Last evaluated: 2024-12-10. Review status: criteria provided, single submitter. Criteria: Invitae Variant Classification Sherloc (09022015). Collection method: clinical testing. Allele origin: germline.
Comment: This sequence change replaces arginine, which is basic and polar, with tryptophan, which is neutral and slightly polar, at codon 2049 of the PLEC protein (p.Arg2049Trp). The frequency data for this variant in the population databases is considered unreliable, as metrics indicate poor data quality at this position in the gnomAD database. This variant has not been reported in the literature in individuals affected with PLEC-related conditions. ClinVar contains an entry for this variant (Variation ID: 538982). An algorithm developed to predict the effect of missense changes on protein structure and function outputs the following: PolyPhen-2: "Not Available". The tryptophan amino acid residue is found in multiple mammalian species, which suggests that this missense change does not adversely affect protein function. In summary, the available evidence is currently insufficient to determine the role of this variant in disease. Therefore, it has been classified as a Variant of Uncertain Significance.

Fulgent Genetics
Classification: Uncertain significance for Epidermolysis bullosa simplex, Ogna type; Epidermolysis bullosa simplex 5B, with muscular dystrophy; Junctional epidermolysis bullosa with pyloric atresia; Epidermolysis bullosa simplex 5C, with pyloric atresia; Autosomal recessive limb-girdle muscular dystrophy type 2Q; Epidermolysis bullosa simplex with nail dystrophy. Last evaluated: 2022-04-20. Review status: criteria provided, single submitter. Criteria: ACMG Guidelines, 2015. Collection method: clinical testing. Allele origin: unknown.